The following is an entry in ClinVar:

NM_001040108.2(MLH3):c.3658G>C (p.Val1220Leu)

Gene: MLH3 (mutL homolog 3; minus strand). Cytogenetic location: 14q24.3.
Variant type: single nucleotide variant.
Coding change: c.3658G>C on transcript NM_001040108.2 (MANE Select); coding-DNA position 3658, G replaced by C.
Protein change: p.Val1220Leu; replaces valine 1220 with leucine.
Molecular consequence: missense variant. On other transcripts: intron variant (1).
Genome position (GRCh38, 1-based): chr14:75,033,476, C>G on the plus strand (G>C on the coding strand, the complement: MLH3 is on the minus strand). VCF-style: chr14-75033476-C-G. GRCh37 (hg19) VCF-style: chr14-75500179-C-G.
Other names: c.3644-1297G>C (NM_014381.3); short protein forms V1220L.
Identifiers: ClinVar variation 3232552 (VCV003232552.1), dbSNP rs560775993, ClinGen allele CA390425462.

ClinVar aggregate classification (germline): Uncertain significance (1 of 4 stars; one submission).

Submission:

Ambry Genetics
Classification: Uncertain significance. Last evaluated: 2023-11-27. Review status: criteria provided, single submitter. Criteria: Ambry Variant Classification Scheme 2023. Collection method: clinical testing. Allele origin: germline.
Comment: The p.V1220L variant (also known as c.3658G>C), located in coding exon 6 of the MLH3 gene, results from a G to C substitution at nucleotide position 3658. The valine at codon 1220 is replaced by leucine, an amino acid with highly similar properties. This amino acid position is conserved. In addition, this alteration is predicted to be tolerated by in silico analysis. Since supporting evidence is limited at this time, the clinical significance of this alteration remains unclear.